The following is an entry in ClinVar:

NM_007294.4(BRCA1):c.3469G>C (p.Gly1157Arg)

Genes: BRCA1 (BRCA1 DNA repair associated; minus strand), LOC126862571 (BRD4-independent group 4 enhancer GRCh37_chr17:41243136-41244335; plus strand). Cytogenetic location: 17q21.31.
Variant type: single nucleotide variant.
Coding change: c.3469G>C on transcript NM_007294.4 (MANE Select); coding-DNA position 3469, G replaced by C.
Protein change: p.Gly1157Arg; replaces glycine 1157 with arginine.
Molecular consequence: missense variant. On other transcripts: intron variant (135).
Genome position (GRCh38, 1-based): chr17:43,092,062, C>G on the plus strand (G>C on the coding strand, the complement: BRCA1 is on the minus strand). VCF-style: chr17-43092062-C-G. GRCh37 (hg19) VCF-style: chr17-41244079-C-G.
Other names: c.3466G>C, p.Gly1156Arg (NM_001407587.1, NM_001407590.1, NM_001407591.1 and 22 more transcripts); c.3325G>C, p.Gly1109Arg (NM_001407848.1, NM_001407849.1, NM_001407943.1 and 20 more transcripts); c.3328G>C, p.Gly1110Arg (NM_001407850.1, NM_001407851.1, NM_001407852.1 and 29 more transcripts); c.3469G>C, p.Gly1157Arg (NM_001407593.1, NM_001407594.1, NM_001407596.1 and 30 more transcripts); c.3256G>C, p.Gly1086Arg (NM_001407853.1, NM_001407894.1, NM_001407895.1 and 9 more transcripts); c.3268G>C, p.Gly1090Arg (NM_001407862.1); c.3346G>C, p.Gly1116Arg (NM_001407863.1, NM_001407919.1, NM_001407648.1 and 19 more transcripts); c.3265G>C, p.Gly1089Arg (NM_001407874.1, NM_001407875.1); and 41 more; short protein forms G1069R, G1086R, G1109R, G1116R, G1156R, G1045R, G1046R, G1089R.
Identifiers: ClinVar variation 1958921 (VCV001958921.9), dbSNP rs2154311804, ClinGen allele CA10595042.

ClinVar aggregate classification (germline): Conflicting classifications of pathogenicity. Review status: criteria provided, conflicting classifications (1 of 4 stars). 4 submissions from 4 submitters: Uncertain significance (3); Likely benign (1). Last evaluated 2025-01-27.

Conditions:
Breast-ovarian cancer, familial, susceptibility to, 1 (BROVCA1). Also called: BRCA1 Hereditary Breast and Ovarian Cancer; OVARIAN CANCER, SUSCEPTIBILITY TO. Identifiers: Orphanet 145, MedGen C2676676, MONDO:0011450, OMIM 604370. Disease mechanism: loss of function.
Hereditary breast ovarian cancer syndrome. Also called: Hereditary breast and ovarian cancer; Hereditary breast and ovarian cancer syndrome (HBOC); Breast and ovarian cancer; Hereditary breast and/or ovarian cancer syndrome; Hereditary breast and ovarian cancer syndrome; BRCA1- and BRCA2-Associated Hereditary Breast and Ovarian Cancer. Identifiers: Orphanet 145, MedGen C0677776, MeSH D061325, MONDO:0003582. Disease mechanism: loss of function.
Hereditary cancer-predisposing syndrome. Also called: Tumor predisposition; Hereditary Cancer Syndrome; Hereditary neoplastic syndrome; Neoplastic Syndromes, Hereditary. Identifiers: Orphanet 140162, MedGen C0027672, MeSH D009386, MONDO:0015356.

Submissions (4):

Ambry Genetics
Classification: Uncertain significance for Hereditary cancer-predisposing syndrome. Last evaluated: 2025-01-27. Review status: criteria provided, single submitter. Criteria: Ambry Variant Classification Scheme 2023. Collection method: clinical testing. Allele origin: germline.
Comment: The p.G1157R variant (also known as c.3469G>C), located in coding exon 9 of the BRCA1 gene, results from a G to C substitution at nucleotide position 3469. The glycine at codon 1157 is replaced by arginine, an amino acid with dissimilar properties. This amino acid position is conserved. In addition, the in silico prediction for this alteration is inconclusive. Based on the available evidence, the clinical significance of this variant remains unclear.

Labcorp Genetics (formerly Invitae), Labcorp
Classification: Uncertain significance for Hereditary breast ovarian cancer syndrome. Last evaluated: 2024-04-30. Review status: criteria provided, single submitter. Criteria: Invitae Variant Classification Sherloc (09022015). Collection method: clinical testing. Allele origin: germline.
Comment: This sequence change replaces glycine, which is neutral and non-polar, with arginine, which is basic and polar, at codon 1157 of the BRCA1 protein (p.Gly1157Arg). This variant is not present in population databases (gnomAD no frequency). This variant has not been reported in the literature in individuals affected with BRCA1-related conditions. ClinVar contains an entry for this variant (Variation ID: 1958921). Advanced modeling of protein sequence and biophysical properties (such as structural, functional, and spatial information, amino acid conservation, physicochemical variation, residue mobility, and thermodynamic stability) performed at Invitae indicates that this missense variant is not expected to disrupt BRCA1 protein function with a negative predictive value of 95%. In summary, the available evidence is currently insufficient to determine the role of this variant in disease. Therefore, it has been classified as a Variant of Uncertain Significance.

All of Us Research Program, National Institutes of Health
Classification: Uncertain significance for Breast-ovarian cancer, familial, susceptibility to, 1. Last evaluated: 2023-05-08. Review status: criteria provided, single submitter. Criteria: ACMG Guidelines, 2015. Collection method: clinical testing. Allele origin: germline. Inheritance: Autosomal dominant inheritance. Observed: 1 variant allele, 1 heterozygote.
Comment: This study involves interpretation of variants in research participants for the purpose of population health screening. Participant phenotype was not available at the time of variant classification. Additional details can be found in publication PMID: 35346344, PMCID: PMC8962531

University of Washington Department of Laboratory Medicine, University of Washington
Classification: Likely benign for Hereditary cancer-predisposing syndrome. Last evaluated: 2023-03-23. Review status: criteria provided, single submitter. Criteria: Dines et al. (Genet Med. 2020). Collection method: curation. Allele origin: germline.
Comment: Missense variant in a coldspot region where missense variants are very unlikely to be pathogenic (PMID:31911673).

BRCA1 coldspot (exon 11 using historical exon numbering). Reclassification based on statistical prior probability